The following is an entry in ClinVar:

ClinVar aggregate classification (germline): Conflicting classifications of pathogenicity. Review status: criteria provided, conflicting classifications (1 of 4 stars). 3 submissions from 3 submitters: Likely pathogenic (1); Uncertain significance (1). 1 of the submissions does not count toward it. Last evaluated 2025-10-20.

Conditions:
Glycine encephalopathy 2 (GCE2). Identifiers: MedGen C5830559, MONDO:0958192, OMIM 620398.
Glycine encephalopathy. Also called: Nonketotic hyperglycinemia; Non-ketotic hyperglycinemia. Identifiers: Orphanet 407, MedGen C0751748, MONDO:0011612, HP:0008288.

Submissions (3):

Myriad Genetics, Inc.
Classification: Uncertain significance for Glycine encephalopathy 2. Last evaluated: 2025-10-20. Review status: criteria provided, single submitter. Criteria: Myriad Autosomal Dominant, Autosomal Recessive and X-Linked Classification Criteria (2023). Collection method: clinical testing. Allele origin: unknown.
Comment: NM_000481.3(AMT):c.674A>G(Y225C) is a missense variant classified as a variant of uncertain significance in the context of glycine encephalopathy, AMT-related. Y225C has been observed in a case with relevant disease (PMID: 27362913). Relevant functional assessments of this variant are not available in the literature. Y225C has not been observed in referenced population frequency databases. In summary, there is insufficient evidence to classify NM_000481.3(AMT):c.674A>G(Y225C) as pathogenic or benign. Please note: this variant was assessed in the context of healthy population screening.

Labcorp Genetics (formerly Invitae), Labcorp
Classification: Likely pathogenic for Glycine encephalopathy. Last evaluated: 2021-10-16. Review status: criteria provided, single submitter. Criteria: Invitae Variant Classification Sherloc (09022015). Collection method: clinical testing. Allele origin: germline.
Comment: In summary, the currently available evidence indicates that the variant is pathogenic, but additional data are needed to prove that conclusively. Therefore, this variant has been classified as Likely Pathogenic. Advanced modeling of protein sequence and biophysical properties (such as structural, functional, and spatial information, amino acid conservation, physicochemical variation, residue mobility, and thermodynamic stability) performed at Invitae indicates that this missense variant is expected to disrupt AMT protein function. ClinVar contains an entry for this variant (Variation ID: 56238). This variant has been observed in individual(s) with glycine encephalopathy (PMID: 12948742). This variant is not present in population databases (ExAC no frequency). This sequence change replaces tyrosine with cysteine at codon 225 of the AMT protein (p.Tyr225Cys). The tyrosine residue is highly conserved and there is a large physicochemical difference between tyrosine and cysteine.

Juha Muilu Group; Institute for Molecular Medicine Finland (FIMM)
Classification: Likely pathogenic for Non-ketotic hyperglycinemia. Review status: no assertion criteria provided. Collection method: not provided. Allele origin: unknown. Not counted in ClinVar's aggregate classification.
Comment: FinDis database variant: This variant was not found or characterized by our laboratory, data were collected from public sources: see reference
ClinVar note: Converted during submission from probable-pathogenic to Likely pathogenic.

Literature cited by the submitters: PubMed 27362913 (cited by Myriad Genetics, Inc.); PubMed 12948742 (cited by Labcorp Genetics (formerly Invitae), Labcorp).

NM_000481.4(AMT):c.674A>G (p.Tyr225Cys)

Gene: AMT (aminomethyltransferase; minus strand). Cytogenetic location: 3p21.31.
Variant type: single nucleotide variant.
Coding change: c.674A>G on transcript NM_000481.4 (MANE Select); coding-DNA position 674, A replaced by G.
Protein change: p.Tyr225Cys; replaces tyrosine 225 with cysteine.
Molecular consequence: missense variant. On other transcripts: non-coding transcript variant (1).
Genome position (GRCh38, 1-based): chr3:49,419,282, T>C on the plus strand (A>G on the coding strand, the complement: AMT is on the minus strand). VCF-style: chr3-49419282-T-C. GRCh37 (hg19) VCF-style: chr3-49456715-T-C.
Other names: c.542A>G, p.Tyr181Cys (NM_001164710.2); c.506A>G, p.Tyr169Cys (NM_001164711.2); c.674A>G, p.Tyr225Cys (NM_001164712.2); short protein forms Y169C, Y181C, Y225C.
Identifiers: ClinVar variation 56238 (VCV000056238.9), dbSNP rs386833689, ClinGen allele CA263583.